The following is an entry in ClinVar:

NM_001378778.1(MPDZ):c.3499G>A (p.Val1167Ile)

Gene: MPDZ (multiple PDZ domain crumbs cell polarity complex component; minus strand). Cytogenetic location: 9p23.
Variant type: single nucleotide variant.
Coding change: c.3499G>A on transcript NM_001378778.1 (MANE Select); coding-DNA position 3499, G replaced by A.
Protein change: p.Val1167Ile; replaces valine 1167 with isoleucine.
Molecular consequence: missense variant.
Genome position (GRCh38, 1-based): chr9:13,150,642, C>T on the plus strand (G>A on the coding strand, the complement: MPDZ is on the minus strand). VCF-style: chr9-13150642-C-T. GRCh37 (hg19) VCF-style: chr9-13150641-C-T.
Other names: c.3499G>A, p.Val1167Ile (NM_001261406.2, NM_001261407.2, NM_001330637.2 and 13 more transcripts); c.3301G>A, p.Val1101Ile (NM_001375427.1); short protein forms V1167I, V1101I.
Identifiers: ClinVar variation 1944118 (VCV001944118.5), dbSNP rs374316677, ClinGen allele CA4987091.

ClinVar aggregate classification (germline): Uncertain significance (1 of 4 stars; one submission).

Allele frequency attached by ClinVar (database versions not stated): ExAC 0.00001; gnomAD 0.00001; TOPMed 0.00002; ESP Exome Variant Server 0.00008.
gnomAD v4.1: 14 of 1,509,874 alleles (0.00093%); highest among the groups gnomAD compares: Non-Finnish European, 0.0012%; no homozygotes.

Submission:

Labcorp Genetics (formerly Invitae), Labcorp
Classification: Uncertain significance. Last evaluated: 2025-04-17. Review status: criteria provided, single submitter. Criteria: Invitae Variant Classification Sherloc (09022015). Collection method: clinical testing. Allele origin: germline.
Comment: This sequence change replaces valine, which is neutral and non-polar, with isoleucine, which is neutral and non-polar, at codon 1167 of the MPDZ protein (p.Val1167Ile). This variant is present in population databases (rs374316677, gnomAD 0.002%). This variant has not been reported in the literature in individuals affected with MPDZ-related conditions. ClinVar contains an entry for this variant (Variation ID: 1944118). An algorithm developed to predict the effect of missense changes on protein structure and function (PolyPhen-2) suggests that this variant is likely to be tolerated. In summary, the available evidence is currently insufficient to determine the role of this variant in disease. Therefore, it has been classified as a Variant of Uncertain Significance.